The following is an entry in ClinVar:

ClinVar aggregate classification (germline): Conflicting classifications of pathogenicity. Review status: criteria provided, conflicting classifications (1 of 4 stars). 5 submissions from 4 submitters: Uncertain significance (4); Likely benign (1). Last evaluated 2025-10-28.

Conditions:
Adams-Oliver syndrome 5 (AOS5). Identifiers: Orphanet 974, MedGen C4014970, MONDO:0014459, OMIM 616028.
Aortic valve disease 1 (AOVD1). Identifiers: MedGen C3887892, MONDO:0024523, OMIM 109730.

Allele frequency attached by ClinVar (database versions not stated): gnomAD 0.00003 and 0.00004; gnomAD exomes 0.00004; TOPMed 0.00004; ExAC 0.00008.
gnomAD v4.1: 20 of 1,605,830 alleles (0.0012%); highest among the groups gnomAD compares: Admixed American, 0.01%; no homozygotes.

Submissions (5):

Labcorp Genetics (formerly Invitae), Labcorp
Classification: Likely benign for Adams-Oliver syndrome 5. Last evaluated: 2025-10-28. Review status: criteria provided, single submitter. Criteria: Invitae Variant Classification Sherloc (09022015). Collection method: clinical testing. Allele origin: germline.

GeneDx
Classification: Uncertain significance. Last evaluated: 2024-01-10. Review status: criteria provided, single submitter. Criteria: GeneDx Variant Classification Process June 2021. Collection method: clinical testing. Allele origin: germline. Affected: yes.
Comment: Previously reported as a variant of uncertain significance in an individual with mitral valve prolase (PMID: 32277046); In silico analysis, which includes protein predictors and evolutionary conservation, supports a deleterious effect; This variant is associated with the following publications: (PMID: 32277046)

Genome-Nilou Lab
Classification: Uncertain significance for Adams-Oliver syndrome 5. Last evaluated: 2022-03-15. Review status: criteria provided, single submitter. Criteria: ACMG Guidelines, 2015. Collection method: clinical testing. Allele origin: germline. Affected: no.

Genome-Nilou Lab
Classification: Uncertain significance for Aortic valve disease 1. Last evaluated: 2022-03-15. Review status: criteria provided, single submitter. Criteria: ACMG Guidelines, 2015. Collection method: clinical testing. Allele origin: germline. Affected: no.

Fulgent Genetics
Classification: Uncertain significance for Aortic valve disease 1; Adams-Oliver syndrome 5. Last evaluated: 2021-10-08. Review status: criteria provided, single submitter. Criteria: ACMG Guidelines, 2015. Collection method: clinical testing. Allele origin: unknown.

NM_017617.5(NOTCH1):c.3905G>A (p.Arg1302His)

Gene: NOTCH1 (notch receptor 1; minus strand). Cytogenetic location: 9q34.3.
Variant type: single nucleotide variant.
Coding change: c.3905G>A on transcript NM_017617.5 (MANE Select); coding-DNA position 3905, G replaced by A.
Protein change: p.Arg1302His; replaces arginine 1302 with histidine.
Molecular consequence: missense variant.
Genome position (GRCh38, 1-based): chr9:136,506,636, C>T on the plus strand (G>A on the coding strand, the complement: NOTCH1 is on the minus strand). VCF-style: chr9-136506636-C-T. GRCh37 (hg19) VCF-style: chr9-139401088-C-T.
Other names: short protein forms R1302H.
Identifiers: ClinVar variation 1025041 (VCV001025041.12), dbSNP rs762091081, ClinGen allele CA5340759.